The following is an entry in ClinVar:

ClinVar aggregate classification (germline): Uncertain significance. Review status: criteria provided, multiple submitters, no conflicts (2 of 4 stars). 2 submissions from 2 submitters: Uncertain significance (2). Last evaluated 2025-11-20.

Conditions:
Autoinflammatory syndrome. Identifiers: Orphanet 93665, MedGen C3890737, MONDO:0019751.
STING-associated vasculopathy with onset in infancy. Also called: Sting-associated vasculopathy, infantile-onset. Identifiers: Orphanet 425120, MedGen C4014722, MONDO:0014405, OMIM 615934.

Allele frequency attached by ClinVar (database versions not stated): gnomAD exomes below 0.00001.

Submissions (2):

Labcorp Genetics (formerly Invitae), Labcorp
Classification: Uncertain significance for STING-associated vasculopathy with onset in infancy. Last evaluated: 2025-11-20. Review status: criteria provided, single submitter. Criteria: Invitae Variant Classification Sherloc (09022015). Collection method: clinical testing. Allele origin: germline.
Comment: This sequence change replaces glycine, which is neutral and non-polar, with alanine, which is neutral and non-polar, at codon 138 of the TMEM173 protein (p.Gly138Ala). This variant is not present in population databases (gnomAD no frequency). This variant has not been reported in the literature in individuals affected with TMEM173-related conditions. ClinVar contains an entry for this variant (Variation ID: 1694182). An algorithm developed to predict the effect of missense changes on protein structure and function outputs the following: PolyPhen-2: "Benign". The alanine amino acid residue is found in multiple mammalian species, which suggests that this missense change does not adversely affect protein function. In summary, the available evidence is currently insufficient to determine the role of this variant in disease. Therefore, it has been classified as a Variant of Uncertain Significance.

Genome Diagnostics Laboratory, The Hospital for Sick Children
Classification: Uncertain significance for Autoinflammatory syndrome. Last evaluated: 2021-02-03. Review status: criteria provided, single submitter. Criteria: ACMG Guidelines, 2015. Collection method: clinical testing. Allele origin: germline. Affected: yes.

NM_198282.4(STING1):c.413G>C (p.Gly138Ala)

Gene: STING1 (stimulator of interferon response cGAMP interactor 1; minus strand). Cytogenetic location: 5q31.2.
Variant type: single nucleotide variant.
Coding change: c.413G>C on transcript NM_198282.4 (MANE Select); coding-DNA position 413, G replaced by C.
Protein change: p.Gly138Ala; replaces glycine 138 with alanine.
Molecular consequence: missense variant.
Genome position (GRCh38, 1-based): chr5:139,480,897, C>G on the plus strand (G>C on the coding strand, the complement: STING1 is on the minus strand). VCF-style: chr5-139480897-C-G. GRCh37 (hg19) VCF-style: chr5-138860482-C-G.
Other names: c.413G>C, p.Gly138Ala (NM_001301738.2); c.56G>C, p.Gly19Ala (NM_001367258.1); short protein forms G138A, G19A.
Identifiers: ClinVar variation 1694182 (VCV001694182.4), dbSNP rs889105527, ClinGen allele CA128748230.
Genomic context (GRCh38, chr5:139,480,897, plus strand): 5'-CCATGGGCCACGTTGAAATTCCCTTTTTCACACACTGCAGAGATCTCAGCTGGGGCCAGG[C>G]CCTGTGGACAGCAGGATGTGGCTGGGGGGCCTCCATCAAGGACACCCAGAGAACTCCTCC-3'
Protein context (NP_938023.1, residues 128-148): QALNILLGLK[Gly138Ala]LAPAEISAVC